The following is an entry in ClinVar:

ClinVar aggregate classification (germline): Uncertain significance (1 of 4 stars; one submission).

Allele frequency attached by ClinVar (database versions not stated): gnomAD exomes below 0.00001.
gnomAD v4.1: 1 of 1,604,314 alleles (0.000062%); highest among the groups gnomAD compares: Admixed American, 0.0017%; no homozygotes.

Submission:

Labcorp Genetics (formerly Invitae), Labcorp
Classification: Uncertain significance. Last evaluated: 2025-11-06. Review status: criteria provided, single submitter. Criteria: Invitae Variant Classification Sherloc (09022015). Collection method: clinical testing. Allele origin: germline.
Comment: This sequence change replaces phenylalanine, which is neutral and non-polar, with cysteine, which is neutral and slightly polar, at codon 1949 of the SON protein (p.Phe1949Cys). This variant is not present in population databases (gnomAD no frequency). This variant has not been reported in the literature in individuals affected with SON-related conditions. ClinVar contains an entry for this variant (Variation ID: 2008400). Experimental studies and prediction algorithms are not available or were not evaluated, and the functional significance of this variant is currently unknown. In summary, the available evidence is currently insufficient to determine the role of this variant in disease. Therefore, it has been classified as a Variant of Uncertain Significance.

NM_138927.4(SON):c.5846T>G (p.Phe1949Cys)

Gene: SON (SON DNA and RNA binding protein; plus strand). Cytogenetic location: 21q22.11.
Variant type: single nucleotide variant.
Coding change: c.5846T>G on transcript NM_138927.4 (MANE Select); coding-DNA position 5846, T replaced by G.
Protein change: p.Phe1949Cys; replaces phenylalanine 1949 with cysteine.
Molecular consequence: missense variant. On other transcripts: non-coding transcript variant (1), intron variant (1).
Genome position (GRCh38, 1-based): chr21:33,555,077, T>G. VCF-style: chr21-33555077-T-G. GRCh37 (hg19) VCF-style: chr21-34927383-T-G.
Other names: c.5846T>G, p.Phe1949Cys (NM_001291411.2, NM_001412133.1, NM_032195.3 and 2 more transcripts); c.245-2079T>G (NM_001291412.3); short protein forms F1949C.
Identifiers: ClinVar variation 2008400 (VCV002008400.4), dbSNP rs2517393907, ClinGen allele CA410165661.